The following is an entry in ClinVar:

NM_007194.4(CHEK2):c.696del (p.Glu233fs)

Gene: CHEK2 (checkpoint kinase 2; minus strand). Cytogenetic location: 22q12.1.
Variant type: Deletion.
Coding change: c.696del on transcript NM_007194.4 (MANE Select); coding-DNA position 696, one base deleted (A; older notation c.696delA).
Protein change: p.Glu233fs; shifts the reading frame from glutamic acid 233.
Molecular consequence: frameshift variant.
Genome position (GRCh38, 1-based): chr22:28,712,005, T deleted on the plus strand (A on the coding strand, the reverse complement: CHEK2 is on the minus strand). VCF-style (leftmost placement, unchanged base first): chr22-28712004-CT-C. GRCh37 (hg19) VCF-style: chr22-29107992-CT-C.
Other names: c.825delA, p.Glu276Argfs (NM_001005735.3); c.33delA, p.Glu12Argfs (NM_001257387.3); c.495delA, p.Glu166Argfs (NM_001349956.3); c.696delA, p.Glu233Argfs (NM_145862.3); short protein forms E12fs, E166fs, E233fs, E276fs.
Identifiers: ClinVar variation 2583520 (VCV002583520.2), dbSNP rs2517964076, ClinGen allele CA2582342779.

ClinVar aggregate classification (germline): Pathogenic (1 of 4 stars; one submission).

Conditions:
Familial cancer of breast. Also called: Hereditary breast cancer; BREAST CANCER, FAMILIAL; hereditary breast carcinoma. Identifiers: Orphanet 227535, MedGen C0346153, MONDO:0016419, OMIM 114480. Disease mechanism: loss of function.

Submission:

Myriad Genetics, Inc.
Classification: Pathogenic for Familial cancer of breast. Last evaluated: 2023-06-26. Review status: criteria provided, single submitter. Criteria: Myriad Autosomal Dominant, Autosomal Recessive and X-Linked Classification Criteria (2023). Collection method: clinical testing. Allele origin: unknown.
Comment: This variant is considered pathogenic. This variant creates a frameshift predicted to result in premature protein truncation.